The following is an entry in ClinVar:

NM_000368.5(TSC1):c.490T>C (p.Trp164Arg)

Gene: TSC1 (TSC complex subunit 1; minus strand). Cytogenetic location: 9q34.13.
Variant type: single nucleotide variant.
Coding change: c.490T>C on transcript NM_000368.5 (MANE Select); coding-DNA position 490, T replaced by C.
Protein change: p.Trp164Arg; replaces tryptophan 164 with arginine.
Molecular consequence: missense variant.
Genome position (GRCh38, 1-based): chr9:132,923,366, A>G on the plus strand (T>C on the coding strand, the complement: TSC1 is on the minus strand). VCF-style: chr9-132923366-A-G. GRCh37 (hg19) VCF-style: chr9-135798753-A-G.
Other names: c.490T>C, p.Trp164Arg (NM_001162426.2); c.337T>C, p.Trp113Arg (NM_001162427.2); c.127T>C, p.Trp43Arg (NM_001362177.2); c.490T>C (NM_000368.4); short protein forms W43R, W164R, W113R.
Identifiers: ClinVar variation 1442526 (VCV001442526.9), dbSNP rs1353861668, ClinGen allele CA375373180.
Genomic context (GRCh38, chr9:132,923,366, plus strand): 5'-TTCACCTCACAGGGCCCAACAGGTATATGAGGAGATCTGTACCTGGTTTCTTCAGGCACC[A>G]TGATGACAGACGGCCAAAAATGTCAAAGAAATCAAGAAGATGCTGTTTCCCAGACTGTGG-3'
Protein context (NP_000359.1, residues 154-174): FFDIFGRLSS[Trp164Arg]CLKKPGHVAE

ClinVar aggregate classification (germline): Conflicting classifications of pathogenicity. Review status: criteria provided, conflicting classifications (1 of 4 stars). 2 submissions from 2 submitters: Uncertain significance (1); Likely benign (1). Last evaluated 2026-06-27.

Conditions:
Hereditary cancer-predisposing syndrome. Also called: Hereditary Cancer Syndrome; Tumor predisposition; Neoplastic Syndromes, Hereditary; Hereditary neoplastic syndrome. Identifiers: Orphanet 140162, MedGen C0027672, MeSH D009386, MONDO:0015356.
Tuberous sclerosis 1 (TSC1). Identifiers: Orphanet 805, MedGen C1854465, MONDO:0008612, OMIM 191100.

Allele frequency attached by ClinVar (database versions not stated): gnomAD exomes below 0.00001.
gnomAD v4.1: 1 of 1,614,200 alleles (0.000062%); highest among the groups gnomAD compares: Non-Finnish European, 0.000085%; no homozygotes.

Submissions (2):

Ambry Genetics
Classification: Uncertain significance for Hereditary cancer-predisposing syndrome. Last evaluated: 2026-06-27. Review status: criteria provided, single submitter. Criteria: Ambry Variant Classification Scheme 2023. Collection method: clinical testing. Allele origin: germline.
Comment: The p.W164R variant (also known as c.490T>C), located in coding exon 4 of the TSC1 gene, results from a T to C substitution at nucleotide position 490. The tryptophan at codon 164 is replaced by arginine, an amino acid with dissimilar properties. This amino acid position is conserved. In addition, this alteration is predicted to be deleterious by in silico analysis. Based on the available evidence, the clinical significance of this variant remains unclear.

Labcorp Genetics (formerly Invitae), Labcorp
Classification: Likely benign for Tuberous sclerosis 1. Last evaluated: 2024-04-25. Review status: criteria provided, single submitter. Criteria: Invitae Variant Classification Sherloc (09022015). Collection method: clinical testing. Allele origin: germline.